The following is an entry in ClinVar:

NM_001048174.2(MUTYH):c.1376C>G (p.Ser459Cys)

Gene: MUTYH (mutY DNA glycosylase; minus strand). Cytogenetic location: 1p34.1.
Variant type: single nucleotide variant.
Coding change: c.1376C>G on transcript NM_001048174.2 (MANE Select); coding-DNA position 1376, C replaced by G.
Protein change: p.Ser459Cys; replaces serine 459 with cysteine.
Molecular consequence: missense variant. On other transcripts: non-coding transcript variant (2).
Genome position (GRCh38, 1-based): chr1:45,331,198, G>C on the plus strand (C>G on the coding strand, the complement: MUTYH is on the minus strand). VCF-style: chr1-45331198-G-C. GRCh37 (hg19) VCF-style: chr1-45796870-G-C.
Other names: c.1376C>G, p.Ser459Cys (NM_001048171.2, NM_001048173.2, NM_001293195.2); c.1379C>G, p.Ser460Cys (NM_001048172.2); c.1460C>G, p.Ser487Cys (NM_001128425.2); c.1421C>G, p.Ser474Cys (NM_001293190.2); c.1409C>G, p.Ser470Cys (NM_001293191.2); c.1100C>G, p.Ser367Cys (NM_001293192.2, NM_001293196.2); c.1031C>G, p.Ser344Cys (NM_001350650.2, NM_001350651.2); c.1451C>G, p.Ser484Cys (NM_012222.3); short protein forms S367C, S484C, S487C, S459C, S460C, S470C, S474C, S344C.
Identifiers: ClinVar variation 839195 (VCV000839195.10), dbSNP rs1644764817, ClinGen allele CA340132515.

ClinVar aggregate classification (germline): Uncertain significance. Review status: criteria provided, multiple submitters, no conflicts (2 of 4 stars). 2 submissions from 2 submitters: Uncertain significance (2). Last evaluated 2026-06-15.

Conditions:
Hereditary cancer-predisposing syndrome. Also called: Tumor predisposition; Hereditary neoplastic syndrome; Neoplastic Syndromes, Hereditary; Hereditary Cancer Syndrome. Identifiers: Orphanet 140162, MedGen C0027672, MeSH D009386, MONDO:0015356.
Familial adenomatous polyposis 2. Also called: MUTYH Polyposis; MUTYH-related attenuated familial adenomatous polyposis; Adenomas, multiple colorectal; COLORECTAL ADENOMATOUS POLYPOSIS, AUTOSOMAL RECESSIVE; ADENOMAS, MULTIPLE COLORECTAL, AUTOSOMAL RECESSIVE; MYH-associated polyposis. Identifiers: Orphanet 220460, Orphanet 247798, MedGen C3272841, MONDO:0012041, OMIM 608456.

Allele frequency attached by ClinVar (database versions not stated): gnomAD exomes below 0.00001.
gnomAD v4.1: 1 of 1,614,250 alleles (0.000062%); highest among the groups gnomAD compares: Non-Finnish European, 0.000085%; no homozygotes.

Submissions (2):

Ambry Genetics
Classification: Uncertain significance for Hereditary cancer-predisposing syndrome. Last evaluated: 2026-06-15. Review status: criteria provided, single submitter. Criteria: Ambry Variant Classification Scheme 2023. Collection method: clinical testing. Allele origin: germline.
Comment: The p.S487C variant (also known as c.1460C>G), located in coding exon 14 of the MUTYH gene, results from a C to G substitution at nucleotide position 1460. The serine at codon 487 is replaced by cysteine, an amino acid with dissimilar properties. In a massively parallel cell-based functional assay testing 7,8-dihydro-8-oxoguanine:adenine (8OG:A) repair activity, a byproduct of oxidative damage, this variant was reported to to be inconclusive (Hemker SL et al. Am J Hum Genet, 2025 Sep;112:2010-2026). This amino acid position is well conserved in available vertebrate species. In addition, this alteration is predicted to be deleterious by in silico analysis. Based on the available evidence, the clinical significance of this variant remains unclear.

Labcorp Genetics (formerly Invitae), Labcorp
Classification: Uncertain significance for Familial adenomatous polyposis 2. Last evaluated: 2019-04-15. Review status: criteria provided, single submitter. Criteria: Invitae Variant Classification Sherloc (09022015). Collection method: clinical testing. Allele origin: germline.
Comment: This sequence change replaces serine with cysteine at codon 487 of the MUTYH protein (p.Ser487Cys). The serine residue is highly conserved and there is a moderate physicochemical difference between serine and cysteine. This variant is not present in population databases (ExAC no frequency). This variant has not been reported in the literature in individuals with MUTYH-related conditions. Algorithms developed to predict the effect of missense changes on protein structure and function are either unavailable or do not agree on the potential impact of this missense change (SIFT: "Tolerated"; PolyPhen-2: "Probably Damaging"; Align-GVGD: "Class C0"). In summary, the available evidence is currently insufficient to determine the role of this variant in disease. Therefore, it has been classified as a Variant of Uncertain Significance.

Literature cited by the submitters: PubMed 40738107 (cited by Ambry Genetics).